The following is an entry in ClinVar:

NM_000388.4(CASR):c.703A>G (p.Ile235Val)

Gene: CASR (calcium sensing receptor; plus strand). Cytogenetic location: 3q21.1.
Variant type: single nucleotide variant.
Coding change: c.703A>G on transcript NM_000388.4 (MANE Select); coding-DNA position 703, A replaced by G.
Protein change: p.Ile235Val; replaces isoleucine 235 with valine.
Molecular consequence: missense variant.
Genome position (GRCh38, 1-based): chr3:122,261,738, A>G. VCF-style: chr3-122261738-A-G. GRCh37 (hg19) VCF-style: chr3-121980585-A-G.
Other names: c.703A>G, p.Ile235Val (NM_001178065.2); short protein forms I235V.
Identifiers: ClinVar variation 1058572 (VCV001058572.9), dbSNP rs2107632125, ClinGen allele CA354151167.

ClinVar aggregate classification (germline): Uncertain significance (1 of 4 stars; one submission).

Conditions:
Autosomal dominant hypocalcemia 1 (HYPOC1). Also called: HYPOCALCEMIA, FAMILIAL. Identifiers: MedGen C3715128, MONDO:0011013, OMIM 601198.
Familial hypocalciuric hypercalcemia (FHH). Also called: Familial benign hypercalcemia. Identifiers: Orphanet 405, MedGen C1809471, MONDO:0018458.

Submission:

Labcorp Genetics (formerly Invitae), Labcorp
Classification: Uncertain significance for Familial hypocalciuric hypercalcemia; Autosomal dominant hypocalcemia 1. Last evaluated: 2020-03-18. Review status: criteria provided, single submitter. Criteria: Invitae Variant Classification Sherloc (09022015). Collection method: clinical testing. Allele origin: germline.
Comment: This variant has not been reported in the literature in individuals with CASR-related conditions. In summary, the available evidence is currently insufficient to determine the role of this variant in disease. Therefore, it has been classified as a Variant of Uncertain Significance. Algorithms developed to predict the effect of missense changes on protein structure and function (SIFT, PolyPhen-2, Align-GVGD) all suggest that this variant is likely to be disruptive, but these predictions have not been confirmed by published functional studies and their clinical significance is uncertain. This variant is not present in population databases (ExAC no frequency). This sequence change replaces isoleucine with valine at codon 235 of the CASR protein (p.Ile235Val). The isoleucine residue is highly conserved and there is a small physicochemical difference between isoleucine and valine.